The following is an entry in ClinVar:

ClinVar aggregate classification (germline): Benign. Review status: criteria provided, multiple submitters, no conflicts (2 of 4 stars). 6 submissions from 6 submitters: Benign (5). 1 of the submissions does not count toward it. Last evaluated 2026-02-02.

Conditions:
Glycogen storage disease type III (GSD3). Also called: FORBES DISEASE; Cori disease. Identifiers: Orphanet 366, MedGen C0017922, MONDO:0009291, OMIM 232400.

Allele frequency attached by ClinVar (database versions not stated): gnomAD exomes 0.00032 and 0.00088; ExAC 0.00119; ESP Exome Variant Server 0.00315; gnomAD 0.00316 and 0.00332; TOPMed 0.00340; 1000 Genomes Project 0.00439; 1000 Genomes Project 30x 0.00547.
gnomAD v4.1: 961 of 1,563,448 alleles (0.061%); highest among the groups gnomAD compares: African/African-American, 1.1%; 7 homozygotes.

Submissions (6):

Labcorp Genetics (formerly Invitae), Labcorp
Classification: Benign for Glycogen storage disease type III. Last evaluated: 2026-02-02. Review status: criteria provided, single submitter. Criteria: Invitae Variant Classification Sherloc (09022015). Collection method: clinical testing. Allele origin: germline.

ARUP Laboratories, Molecular Genetics and Genomics, ARUP Laboratories
Classification: Benign. Last evaluated: 2025-07-08. Review status: criteria provided, single submitter. Criteria: ARUP Molecular Germline Variant Investigation Process 2024. Collection method: clinical testing. Allele origin: germline.

Genome-Nilou Lab
Classification: Benign for Glycogen storage disease type III. Last evaluated: 2021-07-15. Review status: criteria provided, single submitter. Criteria: ACMG Guidelines, 2015. Collection method: clinical testing. Allele origin: germline. Affected: no.

GeneDx
Classification: Benign. Last evaluated: 2018-05-23. Review status: criteria provided, single submitter. Criteria: GeneDx Variant Classification Process June 2021. Collection method: clinical testing. Allele origin: germline. Affected: yes.
Comment: This variant is associated with the following publications: (PMID: 20648714)

PreventionGenetics, part of Exact Sciences
Classification: Benign. Review status: criteria provided, single submitter. Criteria: ACMG Guidelines, 2015. Collection method: clinical testing. Allele origin: germline.

Mayo Clinic Laboratories, Mayo Clinic
Classification: Likely benign. Last evaluated: 2017-06-15. Review status: no assertion criteria provided. Collection method: clinical testing. Allele origin: unknown. Not counted in ClinVar's aggregate classification.

NM_000642.3(AGL):c.3260-20T>C

Gene: AGL (amylo-alpha-1,6-glucosidase and 4-alpha-glucanotransferase; plus strand). Cytogenetic location: 1p21.2.
Variant type: single nucleotide variant.
Coding change: c.3260-20T>C on transcript NM_000642.3 (MANE Select); 20 bases into the intron before coding-DNA position 3260, T replaced by C.
Molecular consequence: intron variant.
Genome position (GRCh38, 1-based): chr1:99,896,266, T>C. VCF-style: chr1-99896266-T-C. GRCh37 (hg19) VCF-style: chr1-100361822-T-C.
Other names: c.3260-20T>C (NM_000643.3, NM_000644.3, NM_001425325.1 and 1 more transcripts); c.3212-20T>C (NM_000646.3); c.3239-20T>C (NM_001425326.1); c.3059-20T>C (NM_001425327.1); c.3056-20T>C (NM_001425328.1); c.2921-20T>C (NM_001425329.1); c.2882-20T>C (NM_001425332.1).
Identifiers: ClinVar variation 256737 (VCV000256737.16), dbSNP rs17121560, ClinGen allele CA967029.
Genomic context (GRCh38, chr1:99,896,266, plus strand): 5'-CTGTTCTATAGTAATGGAGTTCATAGGTTTGTGTGTATTATTATGATTAACATATTACTT[T>C]GTTGTGTTTTTTTTGTTAGGCTTACCTCATTTTTCTTCTGGTATTTTCCGCTGCTGGGGA-3'